The following is an entry in ClinVar:

ClinVar aggregate classification (germline): Pathogenic (1 of 4 stars; one submission).

Submission:

Labcorp Genetics (formerly Invitae), Labcorp
Classification: Pathogenic. Last evaluated: 2023-10-29. Review status: criteria provided, single submitter. Criteria: Invitae Variant Classification Sherloc (09022015). Collection method: clinical testing. Allele origin: germline.
Comment: This sequence change creates a premature translational stop signal (p.Pro311Argfs*23) in the GTPBP3 gene. It is expected to result in an absent or disrupted protein product. Loss-of-function variants in GTPBP3 are known to be pathogenic (PMID: 25434004). This variant is present in population databases (no rsID available, gnomAD 0.0009%). This variant has not been reported in the literature in individuals affected with GTPBP3-related conditions. ClinVar contains an entry for this variant (Variation ID: 1970782). For these reasons, this variant has been classified as Pathogenic.

Literature cited by the submitters: PubMed 25434004.

NM_032620.4(GTPBP3):c.836del (p.Pro279fs)

Gene: GTPBP3 (GTP binding protein 3, mitochondrial; plus strand). Cytogenetic location: 19p13.11.
Variant type: Deletion.
Coding change: c.836del on transcript NM_032620.4 (MANE Select); coding-DNA position 836, one base deleted (C; older notation c.836delC).
Protein change: p.Pro279fs; shifts the reading frame from proline 279.
Molecular consequence: frameshift variant.
Genome position (GRCh38, 1-based): chr19:17,339,461, C deleted; the last of 4 consecutive C bases (chr19:17,339,458-17,339,461); deleting any one gives the same sequence. VCF-style (leftmost placement, unchanged base first): chr19-17339457-TC-T. GRCh37 (hg19) VCF-style: chr19-17450266-TC-T.
Other names: c.836del, p.Pro279fs (NM_001128855.3); c.902del, p.Pro301fs (NM_001195422.1); c.932del, p.Pro311fs (NM_133644.4); short protein forms P301fs, P279fs, P311fs.
Identifiers: ClinVar variation 1970782 (VCV001970782.5), dbSNP rs1160066280, ClinGen allele CA632134222.